The following is an entry in ClinVar:

ClinVar aggregate classification (germline): Pathogenic. Review status: reviewed by expert panel (3 of 4 stars). 2 submissions from 2 submitters: Pathogenic (1). 1 of the submissions does not count toward it. Last evaluated 2017-12-15.

Conditions:
Hereditary breast ovarian cancer syndrome. Also called: Hereditary breast and ovarian cancer syndrome (HBOC); BRCA1- and BRCA2-Associated Hereditary Breast and Ovarian Cancer; Hereditary breast and/or ovarian cancer syndrome; Hereditary breast and ovarian cancer syndrome; Hereditary breast and ovarian cancer; Breast and ovarian cancer. Identifiers: Orphanet 145, MedGen C0677776, MeSH D061325, MONDO:0003582. Disease mechanism: loss of function.
Breast-ovarian cancer, familial, susceptibility to, 1 (BROVCA1). Also called: BRCA1 Hereditary Breast and Ovarian Cancer; OVARIAN CANCER, SUSCEPTIBILITY TO. Identifiers: Orphanet 145, MedGen C2676676, MONDO:0011450, OMIM 604370. Disease mechanism: loss of function.

Submissions (2):

Evidence-based Network for the Interpretation of Germline Mutant Alleles (ENIGMA)
Classification: Pathogenic for Breast-ovarian cancer, familial, susceptibility to, 1. Last evaluated: 2017-12-15. Review status: reviewed by expert panel. Criteria: ENIGMA BRCA1/2 Classification Criteria (2017-06-29). Collection method: curation. Allele origin: germline. Study: ENIGMA.
Comment: Variant allele predicted to encode a truncated non-functional protein.

Research Molecular Genetics Laboratory, Women's College Hospital, University of Toronto
Classification: Pathogenic for Hereditary breast ovarian cancer syndrome. Last evaluated: 2014-01-31. Review status: no assertion criteria provided. Collection method: research. Allele origin: germline. Affected: yes. Study: The Canadian Open Genetics Repository (COGR). Not counted in ClinVar's aggregate classification.

NM_007294.4(BRCA1):c.2126_2127insA (p.Phe709fs)

Gene: BRCA1 (BRCA1 DNA repair associated; minus strand). Cytogenetic location: 17q21.31.
Variant type: Insertion.
Coding change: c.2126_2127insA on transcript NM_007294.4 (MANE Select); coding-DNA positions 2126 to 2127, A inserted.
Protein change: p.Phe709fs; shifts the reading frame from phenylalanine 709.
Molecular consequence: frameshift variant. On other transcripts: intron variant (137).
Genome position: GRCh38 VCF-style: chr17-43093404-A-AT. GRCh37 (hg19) VCF-style: chr17-41245421-A-AT.
Other names: c.1913_1914insA, p.Phe638fs (NM_001407571.1, NM_001407899.1, NM_001407853.1 and 9 more transcripts); c.2126_2127insA, p.Phe709fs (NM_001407581.1, NM_001407582.1, NM_001407583.1 and 30 more transcripts); c.2123_2124insA, p.Phe708fs (NM_001407587.1, NM_001407590.1, NM_001407591.1 and 22 more transcripts); c.2048_2049insA, p.Phe683fs (NM_001407656.1, NM_001407657.1, NM_001407658.1 and 4 more transcripts); c.2045_2046insA, p.Phe682fs (NM_001407659.1, NM_001407660.1, NM_001407661.1 and 1 more transcripts); c.2003_2004insA, p.Phe668fs (NM_001407674.1, NM_001407675.1, NM_001407676.1 and 19 more transcripts); c.1985_1986insA, p.Phe662fs (NM_001407692.1, NM_001407694.1, NM_001407695.1 and 29 more transcripts); c.1982_1983insA, p.Phe661fs (NM_001407740.1, NM_001407741.1, NM_001407742.1 and 20 more transcripts); and 41 more; short protein forms F662fs, F709fs, F413fs, F541fs, F598fs, F620fs, F621fs, F639fs.
Identifiers: ClinVar variation 431223 (VCV000431223.3), dbSNP rs1135401851, ClinGen allele CA645373191.